The following is an entry in ClinVar:

NM_006531.5(IFT88):c.882A>G (p.Ser294=)

Gene: IFT88 (intraflagellar transport 88; plus strand). Cytogenetic location: 13q12.11.
Variant type: single nucleotide variant.
Coding change: c.882A>G on transcript NM_006531.5 (MANE Select); coding-DNA position 882, A replaced by G.
Protein change: p.Ser294=; no amino-acid change (serine 294 retained).
Molecular consequence: synonymous variant. On other transcripts: non-coding transcript variant (5), intron variant (7).
Genome position (GRCh38, 1-based): chr13:20,601,774, A>G. VCF-style: chr13-20601774-A-G. GRCh37 (hg19) VCF-style: chr13-21175913-A-G.
Other names: c.909A>G, p.Ser303= (NM_175605.5, NM_001318493.2, NM_001353565.2 and 2 more transcripts); c.883+26A>G (NM_001353570.2, NM_001353576.2, NM_001353577.2 and 1 more transcripts); c.856+26A>G (NM_001353571.2, NM_001353578.2); c.799+26A>G (NM_001353574.2); c.909A>G (NM_175605.4); c.825A>G, p.Ser275= (NM_001318491.2, NM_001353573.2, NM_001353575.2); c.882A>G, p.Ser294= (NM_001353568.2, NM_001353572.2); c.249A>G, p.Ser83= (NM_001353579.2).
Identifiers: ClinVar variation 1631797 (VCV001631797.10), dbSNP rs775806958, ClinGen allele CA6905210.

ClinVar aggregate classification (germline): Likely benign. Review status: criteria provided, multiple submitters, no conflicts (2 of 4 stars). 2 submissions from 2 submitters: Likely benign (2). Last evaluated 2026-04-19.

Conditions:
IFT88-related disorder. Also called: IFT88-related condition.

Allele frequency attached by ClinVar (database versions not stated): ExAC 0.00002; gnomAD exomes 0.00002.
gnomAD v4.1: 27 of 1,613,172 alleles (0.0017%); highest among the groups gnomAD compares: Non-Finnish European, 0.0017%; no homozygotes.

Submissions (2):

PreventionGenetics, part of Exact Sciences
Classification: Likely benign for IFT88-related condition. Last evaluated: 2026-04-19. Review status: criteria provided, single submitter. Criteria: ACMG Guidelines, 2015. Collection method: clinical testing. Allele origin: germline.
Comment: This variant is classified as likely benign based on ACMG/AMP sequence variant interpretation guidelines (Richards et al. 2015 PMID: 25741868, with internal and published modifications).

Labcorp Genetics (formerly Invitae), Labcorp
Classification: Likely benign. Last evaluated: 2025-03-18. Review status: criteria provided, single submitter. Criteria: Invitae Variant Classification Sherloc (09022015). Collection method: clinical testing. Allele origin: germline.